The following is an entry in ClinVar:

ClinVar aggregate classification (germline): Uncertain significance. Review status: criteria provided, multiple submitters, no conflicts (2 of 4 stars). 2 submissions from 2 submitters: Uncertain significance (2). Last evaluated 2025-09-13.

Submissions (2):

Labcorp Genetics (formerly Invitae), Labcorp
Classification: Uncertain significance. Last evaluated: 2025-09-13. Review status: criteria provided, single submitter. Criteria: Invitae Variant Classification Sherloc (09022015). Collection method: clinical testing. Allele origin: germline.
Comment: This sequence change replaces valine, which is neutral and non-polar, with phenylalanine, which is neutral and non-polar, at codon 247 of the SLC4A11 protein (p.Val247Phe). This variant is not present in population databases (gnomAD no frequency). This variant has not been reported in the literature in individuals affected with SLC4A11-related conditions. Invitae Evidence Modeling of protein sequence and biophysical properties (such as structural, functional, and spatial information, amino acid conservation, physicochemical variation, residue mobility, and thermodynamic stability) indicates that this missense variant is expected to disrupt SLC4A11 protein function with a positive predictive value of 95%. In summary, the available evidence is currently insufficient to determine the role of this variant in disease. Therefore, it has been classified as a Variant of Uncertain Significance.

Blueprint Genetics
Classification: Uncertain significance. Last evaluated: 2020-12-21. Review status: criteria provided, single submitter. Criteria: ACMG Guidelines, 2015. Collection method: clinical testing. Allele origin: germline.

NM_001174089.2(SLC4A11):c.691G>T (p.Val231Phe)

Gene: SLC4A11 (solute carrier family 4 member 11; minus strand). Cytogenetic location: 20p13.
Variant type: single nucleotide variant.
Coding change: c.691G>T on transcript NM_001174089.2 (MANE Select); coding-DNA position 691, G replaced by T.
Protein change: p.Val231Phe; replaces valine 231 with phenylalanine.
Molecular consequence: missense variant. On other transcripts: non-coding transcript variant (3).
Genome position (GRCh38, 1-based): chr20:3,233,552, C>A on the plus strand (G>T on the coding strand, the complement: SLC4A11 is on the minus strand). VCF-style: chr20-3233552-C-A. GRCh37 (hg19) VCF-style: chr20-3214198-C-A.
Other names: c.820G>T, p.Val274Phe (NM_001174090.2, NM_001400280.1); c.691G>T, p.Val231Phe (NM_001363745.2); c.634G>T, p.Val212Phe (NM_001400277.1, NM_001400278.1, NM_001400279.1); c.739G>T, p.Val247Phe (NM_032034.4); short protein forms V247F, V212F, V274F, V231F.
Identifiers: ClinVar variation 4773806 (VCV004773806.2).